The following is an entry in ClinVar:

ClinVar aggregate classification (germline): Uncertain significance. Review status: criteria provided, multiple submitters, no conflicts (2 of 4 stars). 2 submissions from 2 submitters: Uncertain significance (2). Last evaluated 2024-11-23.

Conditions:
Aortic aneurysm, familial thoracic 7 (AAT7). Also called: AORTIC DISSECTION, FAMILIAL, WITH OR WITHOUT AORTIC ANEURYSM. Identifiers: MedGen C3151077, MONDO:0013418, OMIM 613780.

Allele frequency attached by ClinVar (database versions not stated): gnomAD 0.00001; ExAC 0.00004.
gnomAD v4.1: 18 of 1,592,100 alleles (0.0011%); highest among the groups gnomAD compares: East Asian, 0.0023%; no homozygotes.

Submissions (2):

Labcorp Genetics (formerly Invitae), Labcorp
Classification: Uncertain significance for Aortic aneurysm, familial thoracic 7. Last evaluated: 2024-11-23. Review status: criteria provided, single submitter. Criteria: Invitae Variant Classification Sherloc (09022015). Collection method: clinical testing. Allele origin: germline.
Comment: This sequence change falls in intron 24 of the MYLK gene. It does not directly change the encoded amino acid sequence of the MYLK protein. It affects a nucleotide within the consensus splice site. The frequency data for this variant in the population databases is considered unreliable, as metrics indicate poor data quality at this position in the gnomAD database. This variant has not been reported in the literature in individuals affected with MYLK-related conditions. ClinVar contains an entry for this variant (Variation ID: 1478326). Variants that disrupt the consensus splice site are a relatively common cause of aberrant splicing (PMID: 17576681, 9536098). Algorithms developed to predict the effect of sequence changes on RNA splicing suggest that this variant is not likely to affect RNA splicing. In summary, the available evidence is currently insufficient to determine the role of this variant in disease. Therefore, it has been classified as a Variant of Uncertain Significance.

Revvity Omics, Revvity
Classification: Uncertain significance. Last evaluated: 2023-02-01. Review status: criteria provided, single submitter. Criteria: ACMG Guidelines, 2015. Collection method: clinical testing. Allele origin: germline.

Literature cited by the submitters: PubMed 17576681 (cited by Labcorp Genetics (formerly Invitae), Labcorp); PubMed 9536098 (cited by Labcorp Genetics (formerly Invitae), Labcorp).

NM_053025.4(MYLK):c.4289-3C>A

Gene: MYLK (myosin light chain kinase; minus strand). Cytogenetic location: 3q21.1.
Variant type: single nucleotide variant.
Coding change: c.4289-3C>A on transcript NM_053025.4 (MANE Select); 3 bases into the intron before coding-DNA position 4289, C replaced by A.
Molecular consequence: intron variant.
Genome position (GRCh38, 1-based): chr3:123,649,197, G>T on the plus strand (C>A on the coding strand, the complement: MYLK is on the minus strand). VCF-style: chr3-123649197-G-T. GRCh37 (hg19) VCF-style: chr3-123368044-G-T.
Other names: c.3761-3C>A (NM_001321309.2); c.4082-3C>A (NM_053028.4, NM_053026.4); c.4289-3C>A (NM_053027.4).
Identifiers: ClinVar variation 1478326 (VCV001478326.9), dbSNP rs775802631, ClinGen allele CA071251.